The following is an entry in ClinVar:

ClinVar aggregate classification (germline): Likely benign (0 of 4 stars; one submission).

Conditions:
SUMF2-related disorder. Also called: SUMF2-related condition.

Submission:

PreventionGenetics, part of Exact Sciences
Classification: Likely benign for SUMF2-related condition. Last evaluated: 2020-03-03. Review status: no assertion criteria provided. Collection method: clinical testing. Allele origin: germline.
Comment: This variant is classified as likely benign based on ACMG/AMP sequence variant interpretation guidelines (Richards et al. 2015 PMID: 25741868, with internal and published modifications).

NM_015411.2(SUMF2):c.-3T>C

Gene: SUMF2 (sulfatase modifying factor 2; plus strand). Cytogenetic location: 7p11.2.
Variant type: single nucleotide variant.
Coding change: c.-3T>C on transcript NM_015411.2; 3 bases upstream of the start codon, T replaced by C.
Genome position (GRCh38, 1-based): chr7:56,064,252, T>C. VCF-style: chr7-56064252-T-C. GRCh37 (hg19) VCF-style: chr7-56131945-T-C.
Identifiers: ClinVar variation 3347633 (VCV003347633.1).